The following is an entry in ClinVar:

NM_003722.5(TP63):c.411C>G (p.Asp137Glu)

Gene: TP63 (tumor protein p63; plus strand). Cytogenetic location: 3q28.
Variant type: single nucleotide variant.
Coding change: c.411C>G on transcript NM_003722.5 (MANE Select); coding-DNA position 411, C replaced by G.
Protein change: p.Asp137Glu; replaces aspartic acid 137 with glutamic acid.
Molecular consequence: missense variant. On other transcripts: intron variant (2).
Genome position (GRCh38, 1-based): chr3:189,808,358, C>G. VCF-style: chr3-189808358-C-G. GRCh37 (hg19) VCF-style: chr3-189526147-C-G.
Other names: c.411C>G, p.Asp137Glu (NM_001114978.2, NM_001114979.2, NM_001329144.2 and 1 more transcripts); c.129C>G, p.Asp43Glu (NM_001114980.2, NM_001114981.2, NM_001114982.2 and 2 more transcripts); c.405C>G, p.Asp135Glu (NM_001329964.2); c.42+18516C>G (NM_001329146.2, NM_001329150.2); short protein forms D135E, D137E, D43E.
Identifiers: ClinVar variation 1380856 (VCV001380856.5), dbSNP rs1401203192, ClinGen allele CA355750504.

ClinVar aggregate classification (germline): Uncertain significance (1 of 4 stars; one submission).

Conditions:
TP63-Related Spectrum Disorders.

Allele frequency attached by ClinVar (database versions not stated): gnomAD 0.00001; gnomAD exomes 0.00001 and 0.00002.
gnomAD v4.1: 22 of 1,614,088 alleles (0.0014%); highest among the groups gnomAD compares: Non-Finnish European, 0.0017%; no homozygotes.

Submission:

Labcorp Genetics (formerly Invitae), Labcorp
Classification: Uncertain significance. Last evaluated: 2021-10-21. Review status: criteria provided, single submitter. Criteria: Invitae Variant Classification Sherloc (09022015). Collection method: clinical testing. Allele origin: germline.
Comment: In summary, the available evidence is currently insufficient to determine the role of this variant in disease. Therefore, it has been classified as a Variant of Uncertain Significance. Algorithms developed to predict the effect of missense changes on protein structure and function output the following: SIFT: "Tolerated"; PolyPhen-2: "Benign"; Align-GVGD: "Class C0". The glutamic acid amino acid residue is found in multiple mammalian species, which suggests that this missense change does not adversely affect protein function. This variant has not been reported in the literature in individuals affected with TP63-related conditions. This variant is not present in population databases (ExAC no frequency). This sequence change replaces aspartic acid with glutamic acid at codon 137 of the TP63 protein (p.Asp137Glu). The aspartic acid residue is moderately conserved and there is a small physicochemical difference between aspartic acid and glutamic acid.